The following is an entry in ClinVar:

ClinVar aggregate classification (germline): Uncertain significance. Review status: criteria provided, multiple submitters, no conflicts (2 of 4 stars). 2 submissions from 2 submitters: Uncertain significance (2). Last evaluated 2025-10-27.

Conditions:
Hereditary cancer-predisposing syndrome. Also called: Neoplastic Syndromes, Hereditary; Hereditary Cancer Syndrome; Tumor predisposition; Hereditary neoplastic syndrome. Identifiers: Orphanet 140162, MedGen C0027672, MeSH D009386, MONDO:0015356.
Ataxia-telangiectasia syndrome (AT). Also called: LOUIS-BAR SYNDROME; Cerebello-oculocutaneous telangiectasia; Immunodeficiency with ataxia telangiectasia; Ataxia-telangiectasia, complementation group D; AT, COMPLEMENTATION GROUP C; Ataxia-telangiectasia, complementation group E. Identifiers: Orphanet 100, MedGen C0004135, MONDO:0008840, OMIM 208900.

Submissions (2):

Labcorp Genetics (formerly Invitae), Labcorp
Classification: Uncertain significance for Ataxia-telangiectasia syndrome. Last evaluated: 2025-10-27. Review status: criteria provided, single submitter. Criteria: Invitae Variant Classification Sherloc (09022015). Collection method: clinical testing. Allele origin: germline.
Comment: This sequence change replaces arginine, which is basic and polar, with threonine, which is neutral and polar, at codon 2871 of the ATM protein (p.Arg2871Thr). This variant is not present in population databases (gnomAD no frequency). This variant has not been reported in the literature in individuals affected with ATM-related conditions. ClinVar contains an entry for this variant (Variation ID: 479064). Invitae Evidence Modeling of protein sequence and biophysical properties (such as structural, functional, and spatial information, amino acid conservation, physicochemical variation, residue mobility, and thermodynamic stability) indicates that this missense variant is expected to disrupt ATM protein function with a positive predictive value of 95%. In summary, the available evidence is currently insufficient to determine the role of this variant in disease. Therefore, it has been classified as a Variant of Uncertain Significance.

Ambry Genetics
Classification: Uncertain significance for Hereditary cancer-predisposing syndrome. Last evaluated: 2019-01-25. Review status: criteria provided, single submitter. Criteria: Ambry Variant Classification Scheme 2023. Collection method: clinical testing. Allele origin: germline.
Comment: The p.R2871T variant (also known as c.8612G>C), located in coding exon 58 of the ATM gene, results from a G to C substitution at nucleotide position 8612. The arginine at codon 2871 is replaced by threonine, an amino acid with similar properties. This amino acid position is highly conserved in available vertebrate species. In addition, this alteration is predicted to be deleterious by in silico analysis. Since supporting evidence is limited at this time, the clinical significance of this alteration remains unclear.

NM_000051.4(ATM):c.8612G>C (p.Arg2871Thr)

Genes: ATM (ATM serine/threonine kinase; plus strand), C11orf65 (chromosome 11 open reading frame 65; minus strand). Cytogenetic location: 11q22.3.
Variant type: single nucleotide variant.
Coding change: c.8612G>C on transcript NM_000051.4 (MANE Select); coding-DNA position 8612, G replaced by C.
Protein change: p.Arg2871Thr; replaces arginine 2871 with threonine.
Molecular consequence: missense variant. On other transcripts: intron variant (2).
Genome position (GRCh38, 1-based): chr11:108,347,306, G>C. VCF-style: chr11-108347306-G-C. GRCh37 (hg19) VCF-style: chr11-108218033-G-C.
Other names: c.8612G>C, p.Arg2871Thr (NM_001351834.2); c.641-38235C>G (NM_001330368.2); c.695-12014C>G (NM_001351110.2); short protein forms R2871T.
Identifiers: ClinVar variation 479064 (VCV000479064.10), dbSNP rs1555139547, ClinGen allele CA382520632.